The following is an entry in ClinVar:

NM_201253.3(CRB1):c.484G>A (p.Val162Met)

Gene: CRB1 (crumbs cell polarity complex component 1; plus strand). Cytogenetic location: 1q31.3.
Variant type: single nucleotide variant.
Coding change: c.484G>A on transcript NM_201253.3 (MANE Select); coding-DNA position 484, G replaced by A.
Protein change: p.Val162Met; replaces valine 162 with methionine.
Molecular consequence: missense variant. On other transcripts: non-coding transcript variant (2).
Genome position (GRCh38, 1-based): chr1:197,328,835, G>A. VCF-style: chr1-197328835-G-A. GRCh37 (hg19) VCF-style: chr1-197297965-G-A.
Other names: c.484G>A, p.Val162Met (NM_001193640.2, NM_001257966.2); c.277G>A, p.Val93Met (NM_001257965.2); short protein forms V162M, V93M.
Identifiers: ClinVar variation 5738 (VCV000005738.30), dbSNP rs137853138, ClinGen allele CA117710.

ClinVar aggregate classification (germline): Conflicting classifications of pathogenicity. Review status: criteria provided, conflicting classifications (1 of 4 stars). 12 submissions from 10 submitters: Uncertain significance (2); Likely benign (7). 3 of the submissions do not count toward it. Last evaluated 2026-01-26.

Conditions:
CRB1-related disorder. Also called: CRB1-related condition; CRB1-related disorders.
Leber congenital amaurosis 8 (LCA8). Identifiers: Orphanet 65, MedGen C3151202, MONDO:0013453, OMIM 613835.
Retinitis pigmentosa 12 (RP12). Also called: RP WITH OR WITHOUT PPRPE; RP WITH OR WITHOUT PRESERVED PARAARTERIOLE RETINAL PIGMENT EPITHELIUM; RETINITIS PIGMENTOSA WITH OR WITHOUT PARAARTERIOLAR PRESERVATION OF RETINAL PIGMENT EPITHELIUM. Identifiers: Orphanet 791, MedGen C1838647, MONDO:0010818, OMIM 600105.
Retinitis pigmentosa (RP). Identifiers: Orphanet 791, MedGen C0035334, MeSH D012174, MONDO:0019200, OMIM 268000. Inheritance: Autosomal dominant, autosomal recessive and X linked inheritance.
Pigmented paravenous retinochoroidal atrophy. Identifiers: Orphanet 251295, MedGen C1868310, MONDO:0008246, OMIM 172870.

Allele frequency attached by ClinVar (database versions not stated): gnomAD 0.00111 and 0.00106; ExAC 0.00119; 1000 Genomes Project 30x 0.00187; TOPMed 0.00119; gnomAD exomes 0.00129; 1000 Genomes Project 0.00160.
gnomAD v4.1: 2,599 of 1,614,068 alleles (0.16%); highest among the groups gnomAD compares: Admixed American, 0.19%; 6 homozygotes.

Submissions (12):

Labcorp Genetics (formerly Invitae), Labcorp
Classification: Likely benign for Leber congenital amaurosis 8; Retinitis pigmentosa 12. Last evaluated: 2026-01-26. Review status: criteria provided, single submitter. Criteria: Invitae Variant Classification Sherloc (09022015). Collection method: clinical testing. Allele origin: germline.

PreventionGenetics, part of Exact Sciences
Classification: Likely benign for CRB1-related condition. Last evaluated: 2025-02-19. Review status: criteria provided, single submitter. Criteria: ACMG Guidelines, 2015. Collection method: clinical testing. Allele origin: germline.
Comment: This variant is classified as likely benign based on ACMG/AMP sequence variant interpretation guidelines (Richards et al. 2015 PMID: 25741868, with internal and published modifications).

Blueprint Genetics
Classification: Likely benign. Last evaluated: 2024-11-20. Review status: criteria provided, single submitter. Criteria: ACMG Guidelines, 2015. Collection method: clinical testing. Allele origin: germline.

GeneDx
Classification: Likely benign. Last evaluated: 2018-12-14. Review status: criteria provided, single submitter. Criteria: GeneDx Variant Classification Process June 2021. Collection method: clinical testing. Allele origin: germline. Affected: yes.
Comment: This variant is associated with the following publications: (PMID: 29260108, 22581970, 15623792, 22065545, 17964524, 29198720, 16315042, 27905344, 30910914)

Illumina Laboratory Services, Illumina
Classification: Likely benign for Pigmented paravenous retinochoroidal atrophy. Last evaluated: 2017-04-27. Review status: criteria provided, single submitter. Criteria: ICSL Variant Classification Criteria 13 December 2019. Collection method: clinical testing. Allele origin: germline.
Comment: This variant was observed as part of a predisposition screen in an ostensibly healthy population. A literature search was performed for the gene, cDNA change, and amino acid change (where applicable). Publications were found based on this search. The evidence from the literature, in combination with allele frequency data from public databases where available, was sufficient to determine this variant is unlikely to cause disease. Therefore, this variant is classified as likely benign.

Illumina Laboratory Services, Illumina
Classification: Likely benign for Retinitis pigmentosa. Last evaluated: 2017-04-27. Review status: criteria provided, single submitter. Criteria: ICSL Variant Classification Criteria 13 December 2019. Collection method: clinical testing. Allele origin: germline.
Comment: the same text as in the submission from Illumina Laboratory Services, Illumina above.

Illumina Laboratory Services, Illumina
Classification: Likely benign for Leber congenital amaurosis 8. Last evaluated: 2017-04-27. Review status: criteria provided, single submitter. Criteria: ICSL Variant Classification Criteria 13 December 2019. Collection method: clinical testing. Allele origin: germline.
Comment: the same text as in the submission from Illumina Laboratory Services, Illumina above.

Laboratory for Molecular Medicine, Mass General Brigham Personalized Medicine
Classification: Uncertain significance. Last evaluated: 2016-03-28. Review status: criteria provided, single submitter. Criteria: LMM Criteria. Collection method: clinical testing. Allele origin: germline.
Comment: Variant identified in a genome or exome case(s) and assessed due to predicted null impact of the variant or pathogenic assertions in the literature or databases. Disclaimer: This variant has not undergone full assessment. The following are preliminary notes: Varinat (described as Val162Met) was reported in 1 proband with Pigmented paravenous chorioretinal atrophy (PPCRA) and segregated with disease in 5 affected family members (McKay 2005), and in 1 individual with RP (O'Sullivan 2012). MAF 1%.

Eurofins Ntd Llc (ga)
Classification: Uncertain significance. Last evaluated: 2013-10-16. Review status: criteria provided, single submitter. Criteria: EGL Classification Definitions 2015. Collection method: clinical testing. Allele origin: germline. Observed: 2 variant alleles, 2 heterozygotes.

OMIM
Classification: Pathogenic for PIGMENTED PARAVENOUS CHORIORETINAL ATROPHY. Last evaluated: 2005-01-01. Review status: no assertion criteria provided. Collection method: literature only. Allele origin: germline. Not counted in ClinVar's aggregate classification.

Clinical Genetics DNA and cytogenetics Diagnostics Lab, Erasmus MC, Erasmus Medical Center
Classification: Likely benign. Review status: no assertion criteria provided. Collection method: clinical testing. Allele origin: germline. Affected: yes. Study: VKGL Data-share Consensus. Not counted in ClinVar's aggregate classification.

Joint Genome Diagnostic Labs from Nijmegen and Maastricht, Radboudumc and MUMC+
Classification: Likely benign. Review status: no assertion criteria provided. Collection method: clinical testing. Allele origin: germline. Affected: yes. Study: VKGL Data-share Consensus. Not counted in ClinVar's aggregate classification.

Literature cited by the submitters: PubMed 22065545 (cited by Illumina Laboratory Services, Illumina); PubMed 15623792 (cited by Illumina Laboratory Services, Illumina and OMIM); PubMed 14971589 (cited by Illumina Laboratory Services, Illumina); PubMed 17964524 (cited by Illumina Laboratory Services, Illumina).